The following is an entry in ClinVar:

ClinVar aggregate classification (germline): Uncertain significance (1 of 4 stars; one submission).

Allele frequency attached by ClinVar (database versions not stated): gnomAD 0.00001; TOPMed 0.00001; ExAC 0.00003.
gnomAD v4.1: 25 of 1,613,104 alleles (0.0015%); highest among the groups gnomAD compares: East Asian, 0.029%; no homozygotes.

Submission:

Labcorp Genetics (formerly Invitae), Labcorp
Classification: Uncertain significance. Last evaluated: 2024-08-28. Review status: criteria provided, single submitter. Criteria: Invitae Variant Classification Sherloc (09022015). Collection method: clinical testing. Allele origin: germline.
Comment: This sequence change replaces arginine, which is basic and polar, with tryptophan, which is neutral and slightly polar, at codon 67 of the KIF22 protein (p.Arg67Trp). This variant is present in population databases (rs771855229, gnomAD 0.006%). This variant has not been reported in the literature in individuals affected with KIF22-related conditions. ClinVar contains an entry for this variant (Variation ID: 1400599). Invitae Evidence Modeling of protein sequence and biophysical properties (such as structural, functional, and spatial information, amino acid conservation, physicochemical variation, residue mobility, and thermodynamic stability) indicates that this missense variant is expected to disrupt KIF22 protein function with a positive predictive value of 80%. In summary, the available evidence is currently insufficient to determine the role of this variant in disease. Therefore, it has been classified as a Variant of Uncertain Significance.

NM_007317.3(KIF22):c.199C>T (p.Arg67Trp)

Gene: KIF22 (kinesin family member 22; plus strand). Cytogenetic location: 16p11.2.
Variant type: single nucleotide variant.
Coding change: c.199C>T on transcript NM_007317.3 (MANE Select); coding-DNA position 199, C replaced by T.
Protein change: p.Arg67Trp; replaces arginine 67 with tryptophan.
Molecular consequence: missense variant. On other transcripts: 5 prime UTR variant (2).
Genome position (GRCh38, 1-based): chr16:29,797,021, C>T. VCF-style: chr16-29797021-C-T. GRCh37 (hg19) VCF-style: chr16-29808342-C-T.
Other names: c.-6C>T (NM_001256269.2, NM_001256270.1); short protein forms R67W.
Identifiers: ClinVar variation 1400599 (VCV001400599.8), dbSNP rs771855229, ClinGen allele CA7992924.